The following is an entry in ClinVar:

NM_001278116.2(L1CAM):c.1379G>A (p.Trp460Ter)

Gene: L1CAM (L1 cell adhesion molecule; minus strand). Cytogenetic location: Xq28.
Variant type: single nucleotide variant.
Coding change: c.1379G>A on transcript NM_001278116.2 (MANE Select); coding-DNA position 1379, G replaced by A.
Protein change: p.Trp460Ter; replaces tryptophan 460 with a stop codon.
Molecular consequence: nonsense.
Genome position (GRCh38, 1-based): chrX:153,868,841, C>T on the plus strand (G>A on the coding strand, the complement: L1CAM is on the minus strand). VCF-style: chrX-153868841-C-T. GRCh37 (hg19) VCF-style: chrX-153134296-C-T.
Other names: c.1379G>A, p.Trp460Ter (NM_000425.5, NM_024003.3); c.1364G>A, p.Trp455Ter (NM_001143963.2); short protein forms W460*, W455*.
Identifiers: ClinVar variation 488699 (VCV000488699.2), dbSNP rs1557092042, ClinGen allele CA415128032.

ClinVar aggregate classification (germline): Pathogenic (1 of 4 stars; one submission).

Submission:

GeneDx
Classification: Pathogenic. Last evaluated: 2020-02-11. Review status: criteria provided, single submitter. Criteria: GeneDx Variant Classification Process June 2021. Collection method: clinical testing. Allele origin: germline. Affected: yes.
Comment: Nonsense variant predicted to result in protein truncation or nonsense mediated decay in a gene for which loss-of-function is a known mechanism of disease; Not observed in large population cohorts (Lek et al., 2016); Has not been previously published as pathogenic or benign to our knowledge